The following is an entry in ClinVar:

NM_005921.2(MAP3K1):c.4405A>G (p.Thr1469Ala)

Gene: MAP3K1 (mitogen-activated protein kinase kinase kinase 1; plus strand). Cytogenetic location: 5q11.2.
Variant type: single nucleotide variant.
Coding change: c.4405A>G on transcript NM_005921.2 (MANE Select); coding-DNA position 4405, A replaced by G.
Protein change: p.Thr1469Ala; replaces threonine 1469 with alanine.
Molecular consequence: missense variant.
Genome position (GRCh38, 1-based): chr5:56,893,546, A>G. VCF-style: chr5-56893546-A-G. GRCh37 (hg19) VCF-style: chr5-56189373-A-G.
Other names: short protein forms T1469A.
Identifiers: ClinVar variation 3712448 (VCV003712448.2).
Genomic context (GRCh38, chr5:56,893,546, plus strand): 5'-AAGTTACAGTTGTGCAAAGCTTCAACACTGGCTTTTTCTCCACAGATTGCTAGTGCAACT[A>G]CTGCTCCATCGATCCCTTCACATTTGTCTCCTGGTTTACGAGATGTGGCTCTTCGTTGTT-3'
Protein context (NP_005912.1, residues 1459-1479): ALIFKIASAT[Thr1469Ala]APSIPSHLSP

ClinVar aggregate classification (germline): Uncertain significance (1 of 4 stars; one submission).

Conditions:
46,XY sex reversal 6. Also called: 46,XY SEX REVERSAL, PARTIAL OR COMPLETE, MAP3K1-RELATED; 46,XY GONADAL DYSGENESIS, PARTIAL OR COMPLETE, MAP3K1-RELATED. Identifiers: MedGen C3151064, MONDO:0013410, OMIM 613762.

gnomAD v4.1: 19 of 1,613,826 alleles (0.0012%); highest among the groups gnomAD compares: East Asian, 0.0089%; no homozygotes.

Submission:

Labcorp Genetics (formerly Invitae), Labcorp
Classification: Uncertain significance for 46,XY sex reversal 6. Last evaluated: 2025-02-25. Review status: criteria provided, single submitter. Criteria: Invitae Variant Classification Sherloc (09022015). Collection method: clinical testing. Allele origin: germline.
Comment: This sequence change replaces threonine, which is neutral and polar, with alanine, which is neutral and non-polar, at codon 1469 of the MAP3K1 protein (p.Thr1469Ala). This variant is present in population databases (no rsID available, gnomAD 0.02%). This variant has not been reported in the literature in individuals affected with MAP3K1-related conditions. Invitae Evidence Modeling of protein sequence and biophysical properties (such as structural, functional, and spatial information, amino acid conservation, physicochemical variation, residue mobility, and thermodynamic stability) indicates that this missense variant is not expected to disrupt MAP3K1 protein function with a negative predictive value of 80%. In summary, the available evidence is currently insufficient to determine the role of this variant in disease. Therefore, it has been classified as a Variant of Uncertain Significance.